The following is an entry in ClinVar:

NM_000080.4(CHRNE):c.60dup (p.Lys21fs)

Genes: C17orf107 (chromosome 17 open reading frame 107; plus strand), CHRNE (cholinergic receptor nicotinic epsilon subunit; minus strand). Cytogenetic location: 17p13.2.
Variant type: Duplication.
Coding change: c.60dup on transcript NM_000080.4 (MANE Select); coding-DNA position 60, one base duplicated (G; older notation c.60dupG).
Protein change: p.Lys21fs; shifts the reading frame from lysine 21.
Molecular consequence: frameshift variant. On other transcripts: 3 prime UTR variant (1).
Genome position (GRCh38, 1-based): chr17:4,902,750, C duplicated on the plus strand (G on the coding strand, the reverse complement: CHRNE is on the minus strand); the first of 4 consecutive C bases (chr17:4,902,750-4,902,753); duplicating any one gives the same sequence. VCF-style (leftmost placement, unchanged base first): chr17-4902749-T-TC. GRCh37 (hg19) VCF-style: chr17-4806044-T-TC.
Other names: c.*2220dup (NM_001145536.2); short protein forms K21fs.
Identifiers: ClinVar variation 5003930 (VCV005003930.1).

ClinVar aggregate classification (germline): Pathogenic (1 of 4 stars; one submission).

Conditions:
Congenital myasthenic syndrome (CMS). Also called: Congenital Myasthenic Syndromes. Identifiers: Orphanet 590, MedGen C0751882, MeSH D020294, MONDO:0018940.

Submission:

Myriad Genetics, Inc.
Classification: Pathogenic for Congenital myasthenic syndrome. Last evaluated: 2025-07-29. Review status: criteria provided, single submitter. Criteria: Myriad Autosomal Dominant, Autosomal Recessive and X-Linked Classification Criteria (2023). Collection method: clinical testing. Allele origin: unknown.
Comment: NM_000080.3(CHRNE):c.60dupG(K21Efs*16) is a frameshift variant classified as pathogenic in the context of congenital myasthenic syndrome, CHRNE-related. K21Efs*16 has not been observed in cases with relevant disease. Relevant functional assessments of this variant are not available in the literature. K21Efs*16 has not been observed in referenced population frequency databases. In summary, NM_000080.3(CHRNE):c.60dupG(K21Efs*16) is a frameshift variant in a gene where loss of function is a known mechanism of disease and is predicted to disrupt protein function. Please note: this variant was assessed in the context of healthy population screening.